The following is an entry in ClinVar:

NM_001035.3(RYR2):c.2773C>T (p.Pro925Ser)

Gene: RYR2 (ryanodine receptor 2; plus strand). Cytogenetic location: 1q43.
Variant type: single nucleotide variant.
Coding change: c.2773C>T on transcript NM_001035.3 (MANE Select); coding-DNA position 2773, C replaced by T.
Protein change: p.Pro925Ser; replaces proline 925 with serine.
Molecular consequence: missense variant.
Genome position (GRCh38, 1-based): chr1:237,511,742, C>T. VCF-style: chr1-237511742-C-T. GRCh37 (hg19) VCF-style: chr1-237675042-C-T.
Other names: short protein forms P925S.
Identifiers: ClinVar variation 1320908 (VCV001320908.7), dbSNP rs1023177526, ClinGen allele CA39784424.

ClinVar aggregate classification (germline): Uncertain significance. Review status: criteria provided, multiple submitters, no conflicts (2 of 4 stars). 3 submissions from 3 submitters: Uncertain significance (3). Last evaluated 2025-09-09.

Conditions:
Cardiovascular phenotype. Identifiers: MedGen CN230736.
Catecholaminergic polymorphic ventricular tachycardia 1. Also called: RYR2-Related Catecholaminergic Polymorphic Ventricular Tachycardia; VENTRICULAR TACHYCARDIA, CATECHOLAMINERGIC POLYMORPHIC, 1, WITH OR WITHOUT ATRIAL DYSFUNCTION AND/OR DILATED CARDIOMYOPATHY; VENTRICULAR TACHYCARDIA, STRESS-INDUCED POLYMORPHIC 1. Identifiers: Orphanet 3286, MedGen C1631597, MONDO:0011484, OMIM 604772.

Allele frequency attached by ClinVar (database versions not stated): gnomAD 0.00001; TOPMed 0.00001.

Submissions (3):

GeneDx
Classification: Uncertain significance. Last evaluated: 2025-09-09. Review status: criteria provided, single submitter. Criteria: GeneDx Variant Classification Process June 2021. Collection method: clinical testing. Allele origin: germline. Affected: yes.
Comment: Not observed at significant frequency in large population cohorts (gnomAD); In silico analysis supports that this missense variant has a deleterious effect on protein structure/function; Has not been previously published as pathogenic or benign to our knowledge; Not located in one of the three hot-spot regions of the RYR2 gene, where the majority of pathogenic missense variants occur (PMID: 19926015); This variant is associated with the following publications: (PMID: 19926015)

Labcorp Genetics (formerly Invitae), Labcorp
Classification: Uncertain significance for Catecholaminergic polymorphic ventricular tachycardia 1. Last evaluated: 2025-04-24. Review status: criteria provided, single submitter. Criteria: Invitae Variant Classification Sherloc (09022015). Collection method: clinical testing. Allele origin: germline.
Comment: This sequence change replaces proline, which is neutral and non-polar, with serine, which is neutral and polar, at codon 925 of the RYR2 protein (p.Pro925Ser). This variant is not present in population databases (gnomAD no frequency). This variant has not been reported in the literature in individuals affected with RYR2-related conditions. ClinVar contains an entry for this variant (Variation ID: 1320908). Invitae Evidence Modeling of protein sequence and biophysical properties (such as structural, functional, and spatial information, amino acid conservation, physicochemical variation, residue mobility, and thermodynamic stability) indicates that this missense variant is not expected to disrupt RYR2 protein function with a negative predictive value of 95%. In summary, the available evidence is currently insufficient to determine the role of this variant in disease. Therefore, it has been classified as a Variant of Uncertain Significance.

Ambry Genetics
Classification: Uncertain significance for Cardiovascular phenotype. Last evaluated: 2023-03-09. Review status: criteria provided, single submitter. Criteria: Ambry Variant Classification Scheme 2023. Collection method: clinical testing. Allele origin: germline.
Comment: The p.P925S variant (also known as c.2773C>T), located in coding exon 24 of the RYR2 gene, results from a C to T substitution at nucleotide position 2773. The proline at codon 925 is replaced by serine, an amino acid with similar properties. This amino acid position is highly conserved in available vertebrate species. In addition, the in silico prediction for this alteration is inconclusive. Since supporting evidence is limited at this time, the clinical significance of this alteration remains unclear.